The following is an entry in ClinVar:

ClinVar aggregate classification (germline): Pathogenic (1 of 4 stars; one submission).

Conditions:
Granulomatous disease, chronic, X-linked. Also called: GRANULOMATOUS DISEASE, CHRONIC, X-LINKED, SOMATIC MOSAIC; CYTOCHROME b-NEGATIVE GRANULOMATOUS DISEASE, CHRONIC, X-LINKED. Identifiers: Orphanet 379, MedGen C1844376, MONDO:0010600, OMIM 306400.

Submission:

Labcorp Genetics (formerly Invitae), Labcorp
Classification: Pathogenic for Granulomatous disease, chronic, X-linked. Last evaluated: 2025-11-01. Review status: criteria provided, single submitter. Criteria: Invitae Variant Classification Sherloc (09022015). Collection method: clinical testing. Allele origin: germline.
Comment: This sequence change creates a premature translational stop signal (p.Gln466*) in the CYBB gene. It is expected to result in an absent or disrupted protein product. Loss-of-function variants in CYBB are known to be pathogenic (PMID: 9585602, 20729109). This variant is not present in population databases (gnomAD no frequency). This premature translational stop signal has been observed in individual(s) with chronic granulomatous disease (PMID: 10914676). For these reasons, this variant has been classified as Pathogenic.

Literature cited by the submitters: PubMed 9585602; PubMed 20729109; PubMed 10914676.

NM_000397.4(CYBB):c.1396C>T (p.Gln466Ter)

Gene: CYBB (cytochrome b-245 beta chain; plus strand). Cytogenetic location: Xp11.4.
Variant type: single nucleotide variant.
Coding change: c.1396C>T on transcript NM_000397.4 (MANE Select); coding-DNA position 1396, C replaced by T.
Protein change: p.Gln466Ter; replaces glutamine 466 with a stop codon.
Molecular consequence: nonsense.
Genome position (GRCh38, 1-based): chrX:37,806,468, C>T. VCF-style: chrX-37806468-C-T. GRCh37 (hg19) VCF-style: chrX-37665721-C-T.
Other names: short protein forms Q466*.
Identifiers: ClinVar variation 4710716 (VCV004710716.1).